The following is an entry in ClinVar:

GRCh38/hg38 20p12.1(chr20:14453727-14818511)x1

Genes: MACROD2 (mono-ADP ribosylhydrolase 2; plus strand), MACROD2-IT1 (MACROD2 intronic transcript 1; plus strand), LOC132090561 (Neanderthal introgressed variant-containing enhancer experimental_59600; plus strand). Cytogenetic location: 20p12.1.
Variant type: copy number loss.
Change: copy number 1 (one copy instead of two) of chr20:14,453,727-14,818,511 (364.8 kb, GRCh38 coordinates, 1-based), cytogenetic band 20p12.1.
Identifiers: ClinVar variation 57330 (VCV000057330.1).

ClinVar aggregate classification (germline): Benign (1 of 4 stars; one submission).

Submission:

ISCA site 4
Classification: Benign. Last evaluated: 2011-08-12. Review status: criteria provided, single submitter. Criteria: Kaminsky et al. (Genet Med. 2011). Collection method: clinical testing. Allele origin: paternal. Affected: yes. Observed: 1 variant allele.
Comment: Copy number variation identified through the course of routine clinical cytogenomic testing in postnatal populations. Clinical assertions have been curated as described in Kaminsky et al. 2011.